The following is an entry in ClinVar:

ClinVar aggregate classification (germline): Uncertain significance. Review status: criteria provided, multiple submitters, no conflicts (2 of 4 stars). 2 submissions from 2 submitters: Uncertain significance (2). Last evaluated 2022-09-25.

Conditions:
Renal cell carcinoma. Identifiers: Orphanet 217071, MedGen C0007134, MeSH D002292, MONDO:0005086, HP:0005584.
Hereditary cancer-predisposing syndrome. Also called: Hereditary neoplastic syndrome; Neoplastic Syndromes, Hereditary; Hereditary Cancer Syndrome; Tumor predisposition. Identifiers: Orphanet 140162, MedGen C0027672, MeSH D009386, MONDO:0015356.

Submissions (2):

Labcorp Genetics (formerly Invitae), Labcorp
Classification: Uncertain significance for Renal cell carcinoma. Last evaluated: 2022-09-25. Review status: criteria provided, single submitter. Criteria: Invitae Variant Classification Sherloc (09022015). Collection method: clinical testing. Allele origin: germline.
Comment: This variant is not present in population databases (gnomAD no frequency). This variant has not been reported in the literature in individuals affected with MET-related conditions. Advanced modeling of protein sequence and biophysical properties (such as structural, functional, and spatial information, amino acid conservation, physicochemical variation, residue mobility, and thermodynamic stability) performed at Invitae indicates that this missense variant is not expected to disrupt MET protein function. In summary, the available evidence is currently insufficient to determine the role of this variant in disease. Therefore, it has been classified as a Variant of Uncertain Significance. This sequence change replaces glycine, which is neutral and non-polar, with arginine, which is basic and polar, at codon 589 of the MET protein (p.Gly589Arg).

Ambry Genetics
Classification: Uncertain significance for Hereditary cancer-predisposing syndrome. Last evaluated: 2020-02-26. Review status: criteria provided, single submitter. Criteria: Ambry Variant Classification Scheme 2023. Collection method: clinical testing. Allele origin: germline.
Comment: The p.G589R variant (also known as c.1765G>C), located in coding exon 5 of the MET gene, results from a G to C substitution at nucleotide position 1765. The glycine at codon 589 is replaced by arginine, an amino acid with dissimilar properties. This amino acid position is highly conserved in available vertebrate species. In addition, the in silico prediction for this alteration is inconclusive. Since supporting evidence is limited at this time, the clinical significance of this alteration remains unclear.

NM_000245.4(MET):c.1765G>C (p.Gly589Arg)

Gene: MET (MET proto-oncogene, receptor tyrosine kinase; plus strand). Cytogenetic location: 7q31.2.
Variant type: single nucleotide variant.
Coding change: c.1765G>C on transcript NM_000245.4 (MANE Select); coding-DNA position 1765, G replaced by C.
Protein change: p.Gly589Arg; replaces glycine 589 with arginine.
Molecular consequence: missense variant.
Genome position (GRCh38, 1-based): chr7:116,755,418, G>C. VCF-style: chr7-116755418-G-C. GRCh37 (hg19) VCF-style: chr7-116395472-G-C.
Other names: c.1765G>C, p.Gly589Arg (NM_001127500.3, NM_001324401.3); c.475G>C, p.Gly159Arg (NM_001324402.2); short protein forms G159R, G589R.
Identifiers: ClinVar variation 1720342 (VCV001720342.8), dbSNP rs2116909583, ClinGen allele CA368977767.
Genomic context (GRCh38, chr7:116,755,418, plus strand): 5'-TTCCCAAATAGTGCACCCCTTGAAGGAGGGACAAGGCTGACCATATGTGGCTGGGACTTT[G>C]GATTTCGGAGGAATAATAAATTTGATTTAAAGAAAACTAGAGTTCTCCTTGGAAATGAGA-3'
Protein context (NP_000236.2, residues 579-599): TRLTICGWDF[Gly589Arg]FRRNNKFDLK